The following is an entry in ClinVar:

NM_002775.5(HTRA1):c.337G>T (p.Ala113Ser)

Gene: HTRA1 (HtrA serine peptidase 1; plus strand). Cytogenetic location: 10q26.13.
Variant type: single nucleotide variant.
Coding change: c.337G>T on transcript NM_002775.5 (MANE Select); coding-DNA position 337, G replaced by T.
Protein change: p.Ala113Ser; replaces alanine 113 with serine.
Molecular consequence: missense variant.
Genome position (GRCh38, 1-based): chr10:122,461,989, G>T. VCF-style: chr10-122461989-G-T. GRCh37 (hg19) VCF-style: chr10-124221505-G-T.
Other names: short protein forms A113S.
Identifiers: ClinVar variation 716166 (VCV000716166.15), dbSNP rs140088745, ClinGen allele CA5725801.
Genomic context (GRCh38, chr10:122,461,989, plus strand): 5'-TTCGGGGTGCCAGCCTCGGCCACGGTGCGGCGGCGCGCGCAGGCCGGCCTCTGTGTGTGC[G>T]CCAGCAGCGAGCCGGTGTGCGGCAGCGACGCCAACACCTACGCCAACCTGTGCCAGCTGC-3'
Protein context (NP_002766.1, residues 103-123): RRAQAGLCVC[Ala113Ser]SSEPVCGSDA

ClinVar aggregate classification (germline): Benign. Review status: criteria provided, multiple submitters, no conflicts (2 of 4 stars). 5 submissions from 5 submitters: Benign (3). 2 of the submissions do not count toward it. Last evaluated 2025-12-28.

Conditions:
Macular degeneration. Also called: Degenerative disorder of macula. Identifiers: MedGen C0024437, MONDO:0003004, HP:0000608.

Allele frequency attached by ClinVar (database versions not stated): gnomAD 0.00485; TOPMed 0.00514; 1000 Genomes Project 30x 0.00515; 1000 Genomes Project 0.00519.
gnomAD v4.1: 1,366 of 1,526,076 alleles (0.09%); highest among the groups gnomAD compares: African/African-American, 1.7%; 15 homozygotes.

Submissions (5):

Labcorp Genetics (formerly Invitae), Labcorp
Classification: Benign. Last evaluated: 2025-12-28. Review status: criteria provided, single submitter. Criteria: Invitae Variant Classification Sherloc (09022015). Collection method: clinical testing. Allele origin: germline.

Athena Diagnostics
Classification: Benign. Last evaluated: 2024-03-28. Review status: criteria provided, single submitter. Criteria: Athena Diagnostics Criteria. Collection method: clinical testing. Allele origin: unknown.

Illumina Laboratory Services, Illumina
Classification: Benign for Macular degeneration. Last evaluated: 2018-01-13. Review status: criteria provided, single submitter. Criteria: ICSL Variant Classification Criteria 13 December 2019. Collection method: clinical testing. Allele origin: germline.
Comment: This variant was observed in the ICSL laboratory as part of a predisposition screen in an ostensibly healthy population. It had not been previously curated by ICSL or reported in the Human Gene Mutation Database (HGMD: prior to June 1st, 2018), and was therefore a candidate for classification through an automated scoring system. Utilizing variant allele frequency, disease prevalence and penetrance estimates, and inheritance mode, an automated score was calculated to assess if this variant is too frequent to cause the disease. Based on the score and internal cut-off values, a variant classified as benign is not then subjected to further curation. The score for this variant resulted in a classification of benign for this disease.

Genome Diagnostics Laboratory, Amsterdam University Medical Center
Classification: Likely benign. Review status: no assertion criteria provided. Collection method: clinical testing. Allele origin: germline. Affected: yes. Study: VKGL Data-share Consensus. Not counted in ClinVar's aggregate classification.

Laboratory of Diagnostic Genome Analysis, Leiden University Medical Center (LUMC)
Classification: Likely benign. Review status: no assertion criteria provided. Collection method: clinical testing. Allele origin: germline. Affected: yes. Study: VKGL Data-share Consensus. Not counted in ClinVar's aggregate classification.

Literature cited by the submitters: PubMed 26242991 (cited by Athena Diagnostics).